The following is an entry in ClinVar:

ClinVar aggregate classification (germline): Uncertain significance. Review status: criteria provided, multiple submitters, no conflicts (2 of 4 stars). 2 submissions from 2 submitters: Uncertain significance (2). Last evaluated 2023-09-29.

Conditions:
Inborn genetic diseases. Identifiers: MedGen C0950123, MeSH D030342.

Allele frequency attached by ClinVar (database versions not stated): gnomAD 0.00002.
gnomAD v4.1: 13 of 1,613,446 alleles (0.00081%); highest among the groups gnomAD compares: Non-Finnish European, 0.0011%; no homozygotes.

Submissions (2):

Ambry Genetics
Classification: Uncertain significance for Inborn genetic diseases. Last evaluated: 2023-09-29. Review status: criteria provided, single submitter. Criteria: Ambry Variant Classification Scheme 2023. Collection method: clinical testing. Allele origin: germline.

Labcorp Genetics (formerly Invitae), Labcorp
Classification: Uncertain significance. Last evaluated: 2021-12-25. Review status: criteria provided, single submitter. Criteria: Invitae Variant Classification Sherloc (09022015). Collection method: clinical testing. Allele origin: germline.
Comment: This sequence change replaces arginine, which is basic and polar, with proline, which is neutral and non-polar, at codon 1106 of the PCDH15 protein (p.Arg1106Pro). This variant is present in population databases (rs746935130, gnomAD 0.002%). This variant has not been reported in the literature in individuals affected with PCDH15-related conditions. Algorithms developed to predict the effect of missense changes on protein structure and function are either unavailable or do not agree on the potential impact of this missense change (SIFT: "Deleterious"; PolyPhen-2: "Probably Damaging"; Align-GVGD: "Class C0"). In summary, the available evidence is currently insufficient to determine the role of this variant in disease. Therefore, it has been classified as a Variant of Uncertain Significance.

NM_001384140.1(PCDH15):c.3317G>C (p.Arg1106Pro)

Gene: PCDH15 (protocadherin related 15; minus strand). Cytogenetic location: 10q21.1.
Variant type: single nucleotide variant.
Coding change: c.3317G>C on transcript NM_001384140.1 (MANE Select); coding-DNA position 3317, G replaced by C.
Protein change: p.Arg1106Pro; replaces arginine 1106 with proline.
Molecular consequence: missense variant.
Genome position (GRCh38, 1-based): chr10:53,938,871, C>G on the plus strand (G>C on the coding strand, the complement: PCDH15 is on the minus strand). VCF-style: chr10-53938871-C-G. GRCh37 (hg19) VCF-style: chr10-55698631-C-G.
Other names: c.3332G>C, p.Arg1111Pro (NM_001142763.2, NM_001142771.2); c.3317G>C, p.Arg1106Pro (NM_001142764.2, NM_001142766.2, NM_001142770.3 and 4 more transcripts); c.3104G>C, p.Arg1035Pro (NM_001142765.2); c.3206G>C, p.Arg1069Pro (NM_001142767.2); c.3251G>C, p.Arg1084Pro (NM_001142768.2, NM_001142773.2, NM_001354404.2); c.3353G>C, p.Arg1118Pro (NM_001142769.4); c.3338G>C, p.Arg1113Pro (NM_001354411.2); short protein forms R1084P, R1111P, R1035P, R1106P, R1113P, R1069P, R1118P.
Identifiers: ClinVar variation 1926672 (VCV001926672.3), dbSNP rs746935130, ClinGen allele CA5505746.